The following is an entry in ClinVar:

NM_000548.5(TSC2):c.2985C>T (p.Leu995=)

Gene: TSC2 (TSC complex subunit 2; plus strand). Cytogenetic location: 16p13.3.
Variant type: single nucleotide variant.
Coding change: c.2985C>T on transcript NM_000548.5 (MANE Select); coding-DNA position 2985, C replaced by T.
Protein change: p.Leu995=; no amino-acid change (leucine 995 retained).
Molecular consequence: synonymous variant.
Genome position (GRCh38, 1-based): chr16:2,079,050, C>T. VCF-style: chr16-2079050-C-T. GRCh37 (hg19) VCF-style: chr16-2129051-C-T.
Other names: c.2853C>T, p.Leu951= (NM_001077183.3, NM_001370404.1); c.2985C>T, p.Leu995= (NM_001114382.3); c.2745C>T, p.Leu915= (NM_001318827.2); c.2709C>T, p.Leu903= (NM_001318829.2); c.2253C>T, p.Leu751= (NM_001318831.2); c.2886C>T, p.Leu962= (NM_001318832.2); c.2856C>T, p.Leu952= (NM_001363528.2, NM_001370405.1, NM_021055.3); c.2985C>T (NM_000548.4).
Identifiers: ClinVar variation 186919 (VCV000186919.47), dbSNP rs786203324, ClinGen allele CA018382.

ClinVar aggregate classification (germline): Benign/Likely benign. Review status: criteria provided, multiple submitters, no conflicts (2 of 4 stars). 8 submissions from 8 submitters: Benign (2); Likely benign (5). 1 of the submissions does not count toward it. Last evaluated 2025-05-27.

Conditions:
Hereditary cancer-predisposing syndrome. Also called: Tumor predisposition; Neoplastic Syndromes, Hereditary; Hereditary Cancer Syndrome; Hereditary neoplastic syndrome. Identifiers: Orphanet 140162, MedGen C0027672, MeSH D009386, MONDO:0015356.
Tuberous sclerosis syndrome (TSC). Also called: Tuberous Sclerosis Complex; Tuberous sclerosis. Identifiers: Orphanet 805, MedGen C0041341, MONDO:0001734.
Tuberous sclerosis 2 (TSC2). Identifiers: Orphanet 805, MedGen C1860707, MONDO:0013199, OMIM 613254.

Allele frequency attached by ClinVar (database versions not stated): gnomAD exomes below 0.00001 and 0.00001.
gnomAD v4.1: 16 of 1,612,874 alleles (0.00099%); highest among the groups gnomAD compares: Non-Finnish European, 0.0013%; no homozygotes.

Submissions (8):

Myriad Genetics, Inc.
Classification: Benign for Tuberous sclerosis 2. Last evaluated: 2025-05-27. Review status: criteria provided, single submitter. Criteria: Myriad Autosomal Dominant, Autosomal Recessive and X-Linked Classification Criteria (2023). Collection method: clinical testing. Allele origin: unknown.
Comment: This variant is considered benign. This variant is a silent/synonymous amino acid change and it is not expected to impact splicing.

Labcorp Genetics (formerly Invitae), Labcorp
Classification: Likely benign for Tuberous sclerosis 2. Last evaluated: 2024-03-09. Review status: criteria provided, single submitter. Criteria: Invitae Variant Classification Sherloc (09022015). Collection method: clinical testing. Allele origin: germline.

All of Us Research Program, National Institutes of Health
Classification: Likely benign for Tuberous sclerosis syndrome. Last evaluated: 2023-09-04. Review status: criteria provided, single submitter. Criteria: ACMG Guidelines, 2015. Collection method: clinical testing. Allele origin: germline. Inheritance: Autosomal dominant inheritance. Observed: 1 variant allele, 1 heterozygote.
Comment: This study involves interpretation of variants in research participants for the purpose of population health screening. Participant phenotype was not available at the time of variant classification. Additional details can be found in publication PMID: 35346344, PMCID: PMC8962531

CeGaT Center for Human Genetics Tuebingen
Classification: Likely benign. Last evaluated: 2023-07-01. Review status: criteria provided, single submitter. Criteria: CeGaT Center For Human Genetics Tuebingen Variant Classification Criteria Version 2. Collection method: clinical testing. Allele origin: germline. Affected: yes. Observed: 1 variant allele.
Comment: TSC2: BP4, BP7

Color Diagnostics, LLC DBA Color Health
Classification: Likely benign for Tuberous sclerosis syndrome. Last evaluated: 2022-09-28. Review status: criteria provided, single submitter. Criteria: ACMG Guidelines, 2015. Collection method: clinical testing. Allele origin: germline.

Genome-Nilou Lab
Classification: Benign for Tuberous sclerosis 2. Last evaluated: 2021-11-07. Review status: criteria provided, single submitter. Criteria: ACMG Guidelines, 2015. Collection method: clinical testing. Allele origin: germline. Affected: no.

Ambry Genetics
Classification: Likely benign for Hereditary cancer-predisposing syndrome. Last evaluated: 2014-10-24. Review status: criteria provided, single submitter. Criteria: Ambry Variant Classification Scheme 2023. Collection method: clinical testing. Allele origin: germline.

Genetic Services Laboratory, University of Chicago
Classification: Likely benign. Last evaluated: 2022-07-22. Review status: no assertion criteria provided. Collection method: clinical testing. Allele origin: germline. Affected: no. Not counted in ClinVar's aggregate classification.